The following is an entry in ClinVar:

NM_000430.4(PAFAH1B1):c.900+1G>A

Gene: PAFAH1B1 (platelet activating factor acetylhydrolase 1b regulatory subunit 1; plus strand). Cytogenetic location: 17p13.3.
Variant type: single nucleotide variant.
Coding change: c.900+1G>A on transcript NM_000430.4 (MANE Select); the canonical splice donor site of the intron after coding-DNA position 900, G replaced by A.
Molecular consequence: splice donor variant.
Genome position (GRCh38, 1-based): chr17:2,674,289, G>A. VCF-style: chr17-2674289-G-A. GRCh37 (hg19) VCF-style: chr17-2577583-G-A.
Identifiers: ClinVar variation 159549 (VCV000159549.34), dbSNP rs587784290, ClinGen allele CA272451.
Genomic context (GRCh38, chr17:2,674,289, plus strand): 5'-TGCATTTCCTGGGCTCCAGAAAGCTCATATTCCTCCATCTCTGAAGCAACAGGATCTGAG[G>A]TACTGTATATACAAATGTCTTCATGGTTTTATTGCTGATATCTGAAGTCCTTAGATAACT-3'

ClinVar aggregate classification (germline): Pathogenic. Review status: criteria provided, multiple submitters, no conflicts (2 of 4 stars). 2 submissions from 2 submitters: Pathogenic (2). Last evaluated 2023-02-01.

Conditions:
Lissencephaly due to LIS1 mutation (LIS1). Also called: PAFAH1B1-Related Lissencephaly/Subcortical Band Heterotopia; Isolated Lissencephaly Sequence; PAFAH1B1-Associated Lissencephaly/Subcortical Band Heterotopia. Identifiers: Orphanet 95232, MedGen C4749301, MONDO:0011830, OMIM 607432.

Submissions (2):

CeGaT Center for Human Genetics Tuebingen
Classification: Pathogenic. Last evaluated: 2023-02-01. Review status: criteria provided, single submitter. Criteria: CeGaT Center For Human Genetics Tuebingen Variant Classification Criteria Version 2. Collection method: clinical testing. Allele origin: germline. Affected: yes. Observed: 1 variant allele.
Comment: PAFAH1B1: PVS1, PM2

Genetic Services Laboratory, University of Chicago
Classification: Pathogenic for Lissencephaly 1. Last evaluated: 2013-02-08. Review status: criteria provided, single submitter. Criteria: ACMG Guidelines, 2007. Collection method: clinical testing. Allele origin: germline. Inheritance: Autosomal dominant inheritance. Affected: yes.